The following is an entry in ClinVar:

NM_021008.4(DEAF1):c.653G>C (p.Arg218Thr)

Gene: DEAF1 (DEAF1 transcription factor; minus strand). Cytogenetic location: 11p15.5.
Variant type: single nucleotide variant.
Coding change: c.653G>C on transcript NM_021008.4 (MANE Select); coding-DNA position 653, G replaced by C.
Protein change: p.Arg218Thr; replaces arginine 218 with threonine.
Molecular consequence: missense variant. On other transcripts: 5 prime UTR variant (1).
Genome position (GRCh38, 1-based): chr11:687,922, C>G on the plus strand (G>C on the coding strand, the complement: DEAF1 is on the minus strand). VCF-style: chr11-687922-C-G. GRCh37 (hg19) VCF-style: chr11-687922-C-G.
Other names: c.653G>C, p.Arg218Thr (NM_001293634.2); c.-74G>C (NM_001367390.1); short protein forms R218T.
Identifiers: ClinVar variation 2751575 (VCV002751575.4), dbSNP rs1127312, ClinGen allele CA378933331.
Genomic context (GRCh38, chr11:687,922, plus strand): 5'-GGGTTACAAAGGGGAATACAACTTTGGAGTCTGAAGTGGCAGTCCTCACCTGAGCCGAGC[C>G]TGTTCTTGTACAGAGTGCCGCTGATGTTCCGGCACCGTACGGGCAGCTCACTGTCGTACA-3'
Protein context (NP_066288.2, residues 208-228): RNISGTLYKN[Arg218Thr]LGSGGRGRCI

ClinVar aggregate classification (germline): Conflicting classifications of pathogenicity. Review status: criteria provided, conflicting classifications (1 of 4 stars). 2 submissions from 2 submitters: Pathogenic (1); Uncertain significance (1). Last evaluated 2024-03-05.

Submissions (2):

GeneDx
Classification: Uncertain significance. Last evaluated: 2024-03-05. Review status: criteria provided, single submitter. Criteria: GeneDx Variant Classification Process June 2021. Collection method: clinical testing. Allele origin: germline. Affected: yes.
Comment: Not observed at significant frequency in large population cohorts (gnomAD); In silico analysis supports that this missense variant has a deleterious effect on protein structure/function; Has not been previously published as pathogenic or benign to our knowledge

Labcorp Genetics (formerly Invitae), Labcorp
Classification: Pathogenic. Last evaluated: 2023-10-25. Review status: criteria provided, single submitter. Criteria: Invitae Variant Classification Sherloc (09022015). Collection method: clinical testing. Allele origin: germline.
Comment: This sequence change replaces arginine, which is basic and polar, with threonine, which is neutral and polar, at codon 218 of the DEAF1 protein (p.Arg218Thr). This variant is not present in population databases (gnomAD no frequency). This missense change has been observed in individual(s) with DEAF1-related conditions. (Invitae). In at least one individual the variant was observed to be de novo. Advanced modeling of protein sequence and biophysical properties (such as structural, functional, and spatial information, amino acid conservation, physicochemical variation, residue mobility, and thermodynamic stability) performed at Invitae indicates that this missense variant is expected to disrupt DEAF1 protein function with a positive predictive value of 95%. For these reasons, this variant has been classified as Pathogenic.